The following is an entry in ClinVar:

NM_002691.4(POLD1):c.56G>A (p.Arg19His)

Gene: POLD1 (DNA polymerase delta 1, catalytic subunit; plus strand). Cytogenetic location: 19q13.33.
Variant type: single nucleotide variant.
Coding change: c.56G>A on transcript NM_002691.4 (MANE Select); coding-DNA position 56, G replaced by A.
Protein change: p.Arg19His; replaces arginine 19 with histidine.
Molecular consequence: missense variant. On other transcripts: non-coding transcript variant (1).
Genome position (GRCh38, 1-based): chr19:50,398,907, G>A. VCF-style: chr19-50398907-G-A. GRCh37 (hg19) VCF-style: chr19-50902164-G-A.
Other names: c.56G>A, p.Arg19His (NM_001256849.1, NM_001308632.1); short protein forms R19H.
Identifiers: ClinVar variation 221055 (VCV000221055.70), dbSNP rs3218773, ClinGen allele CA349025.
Genomic context (GRCh38, chr19:50,398,907, plus strand): 5'-GCAGGATGGATGGCAAGCGGCGGCCAGGCCCAGGGCCCGGGGTGCCCCCAAAGCGGGCCC[G>A]TGGGGGCCTCTGGGATGATGATGATGCACCTCGGCCATCCCAATTCGAGGAGGACCTGGC-3'
Protein context (NP_002682.2, residues 9-29): PGPGVPPKRA[Arg19His]GGLWDDDDAP

ClinVar aggregate classification (germline): Benign/Likely benign. Review status: criteria provided, multiple submitters, no conflicts (2 of 4 stars). 23 submissions from 23 submitters: Benign (12); Likely benign (5). 6 of the submissions do not count toward it. Last evaluated 2026-08-01.

Conditions:
Mandibular hypoplasia-deafness-progeroid syndrome. Also called: Mandibular hypoplasia, deafness, progeroid features, and lipodystrophy syndrome. Identifiers: Orphanet 363649, MedGen C3715192, MONDO:0014157, OMIM 615381.
POLD1-related polyposis and colorectal cancer syndrome (CRCS10). Also called: Colorectal cancer 10; COLORECTAL CANCER, SUSCEPTIBILITY TO, ON CHROMOSOME 19q; Colorectal cancer, susceptibility to, 10. Identifiers: Orphanet 220460, MedGen C2675481, MONDO:0012953, OMIM 612591.
Endometrial carcinoma. Also called: Endometrial carcinoma, somatic. Identifiers: MedGen C0476089, MONDO:0002447, OMIM 608089, HP:0012114.
Hereditary cancer-predisposing syndrome. Also called: Neoplastic Syndromes, Hereditary; Tumor predisposition; Hereditary Cancer Syndrome; Hereditary neoplastic syndrome. Identifiers: Orphanet 140162, MedGen C0027672, MeSH D009386, MONDO:0015356.

Allele frequency attached by ClinVar (database versions not stated): ESP Exome Variant Server 0.00054; gnomAD 0.00197 and 0.00237; TOPMed 0.00409; gnomAD exomes 0.00539; ExAC 0.00688; 1000 Genomes Project 30x 0.00890; 1000 Genomes Project 0.00899.
gnomAD v4.1: 2,605 of 1,600,520 alleles (0.16%); highest among the groups gnomAD compares: East Asian, 2.8%; 32 homozygotes.

Submissions (23):

CeGaT Center for Human Genetics Tuebingen
Classification: Benign. Last evaluated: 2026-08-01. Review status: criteria provided, single submitter. Criteria: CeGaT Center For Human Genetics Tuebingen Variant Classification Criteria Version 2. Collection method: clinical testing. Allele origin: germline. Affected: yes. Observed: 17 variant alleles.
Comment: POLD1: BS1, BS2

Labcorp Genetics (formerly Invitae), Labcorp
Classification: Benign for POLD1-related polyposis and colorectal cancer syndrome. Last evaluated: 2026-02-04. Review status: criteria provided, single submitter. Criteria: Invitae Variant Classification Sherloc (09022015). Collection method: clinical testing. Allele origin: germline.

Center for Genomic Medicine, Rigshospitalet, Copenhagen University Hospital
Classification: Benign. Last evaluated: 2025-03-04. Review status: criteria provided, single submitter. Criteria: ACMG Guidelines, 2015. Collection method: clinical testing. Allele origin: germline.

KCCC/NGS Laboratory, Kuwait Cancer Control Center
Classification: Benign for POLD1-related polyposis and colorectal cancer syndrome. Last evaluated: 2025-02-01. Review status: criteria provided, single submitter. Criteria: ACMG Guidelines, 2015. Collection method: clinical testing. Allele origin: germline. Affected: no.

Blueprint Genetics
Classification: Likely benign. Last evaluated: 2024-11-25. Review status: criteria provided, single submitter. Criteria: ACMG Guidelines, 2015. Collection method: clinical testing. Allele origin: germline.

Mayo Clinic Laboratories, Mayo Clinic
Classification: Likely benign. Last evaluated: 2024-04-02. Review status: criteria provided, single submitter. Criteria: ACMG Guidelines, 2015. Collection method: clinical testing. Allele origin: germline. Observed: 8 variant alleles.
Comment: BS1, BP4

ARUP Laboratories, Molecular Genetics and Genomics, ARUP Laboratories
Classification: Benign. Last evaluated: 2024-02-29. Review status: criteria provided, single submitter. Criteria: ARUP Molecular Germline Variant Investigation Process 2024. Collection method: clinical testing. Allele origin: germline.

Fulgent Genetics
Classification: Likely benign for POLD1-related polyposis and colorectal cancer syndrome; Mandibular hypoplasia-deafness-progeroid syndrome. Last evaluated: 2021-09-02. Review status: criteria provided, single submitter. Criteria: ACMG Guidelines, 2015. Collection method: clinical testing. Allele origin: unknown.

Sema4
Classification: Benign for Hereditary cancer-predisposing syndrome. Last evaluated: 2020-07-14. Review status: criteria provided, single submitter. Criteria: Sema4 Curation Guidelines. Collection method: curation. Allele origin: germline.

Genetic Services Laboratory, University of Chicago
Classification: Benign. Last evaluated: 2017-08-29. Review status: criteria provided, single submitter. Criteria: ACMG Guidelines, 2015. Collection method: clinical testing. Allele origin: germline. Affected: no.

Women's Health and Genetics/Laboratory Corporation of America, LabCorp
Classification: Benign. Last evaluated: 2017-07-21. Review status: criteria provided, single submitter. Criteria: LabCorp Variant Classification Summary - May 2015. Collection method: clinical testing. Allele origin: germline.
Comment: Variant summary: The POLD1 c.56G>A (p.Arg19His) variant involves the alteration of a non-conserved nucleotide. This variant is located in the nuclear localization signal domain and 2/3 in silico tools predict a benign outcome for this variant (SNPs&GO not captured due to low reliability index), however no functional studies supporting these predictions were published at the time of evaluation. This variant was found in 434/63048 control chromosomes (6 homozygotes), observed at relatively higher frequency in the East Asian subpopulation at a frequency of 0.0458626 (235/5124). This frequency is about 3229 times the estimated maximal expected allele frequency of a pathogenic POLD1 variant (0.0000142), suggesting this is likely a benign polymorphism. In addition, multiple clinical diagnostic laboratories have classified this variant as likely benign/benign. Taken together, this variant is classified as Benign.

GeneDx
Classification: Benign. Last evaluated: 2017-07-13. Review status: criteria provided, single submitter. Criteria: GeneDx Variant Classification (06012015). Collection method: clinical testing. Allele origin: germline. Affected: yes.
Comment: This variant is considered likely benign or benign based on one or more of the following criteria: it is a conservative change, it occurs at a poorly conserved position in the protein, it is predicted to be benign by multiple in silico algorithms, and/or has population frequency not consistent with disease.

Quest Diagnostics Nichols Institute San Juan Capistrano
Classification: Benign. Last evaluated: 2017-06-07. Review status: criteria provided, single submitter. Criteria: Quest Diagnostics criteria. Collection method: clinical testing. Allele origin: unknown.

PreventionGenetics, part of Exact Sciences
Classification: Benign. Last evaluated: 2016-12-12. Review status: criteria provided, single submitter. Criteria: ACMG Guidelines, 2015. Collection method: clinical testing. Allele origin: germline.

Vantari Genetics
Classification: Likely benign for Hereditary cancer-predisposing syndrome. Last evaluated: 2015-12-11. Review status: criteria provided, single submitter. Criteria: ACMG Guidelines, 2015. Collection method: clinical testing. Allele origin: germline.

Ambry Genetics
Classification: Benign for Hereditary cancer-predisposing syndrome. Last evaluated: 2015-05-20. Review status: criteria provided, single submitter. Criteria: Ambry Variant Classification Scheme 2023. Collection method: clinical testing. Allele origin: germline.

Breakthrough Genomics
Classification: Likely benign. Review status: criteria provided, single submitter. Criteria: ACMG Guidelines, 2015. Collection method: not provided. Allele origin: germline. Inheritance: Autosomal dominant inheritance. Affected: yes.

True Health Diagnostics
Classification: Likely benign for Hereditary cancer-predisposing syndrome. Last evaluated: 2018-05-30. Review status: no assertion criteria provided. Collection method: clinical testing. Allele origin: germline. Not counted in ClinVar's aggregate classification.

Counsyl
Classification: Benign for POLD1-related polyposis and colorectal cancer syndrome. Last evaluated: 2016-07-05. Review status: no assertion criteria provided. Collection method: clinical testing. Allele origin: unknown. Not counted in ClinVar's aggregate classification.

Clinical Genetics DNA and cytogenetics Diagnostics Lab, Erasmus MC, Erasmus Medical Center
Classification: Benign. Review status: no assertion criteria provided. Collection method: clinical testing. Allele origin: germline. Affected: yes. Study: VKGL Data-share Consensus. Not counted in ClinVar's aggregate classification.

Clinical Genetics, Academic Medical Center
Classification: Benign. Review status: no assertion criteria provided. Collection method: clinical testing. Allele origin: germline. Affected: yes. Study: VKGL Data-share Consensus. Not counted in ClinVar's aggregate classification.

Department of Pathology and Laboratory Medicine, Sinai Health System
Classification: Likely benign for Endometrial carcinoma. Review status: no assertion criteria provided. Collection method: clinical testing. Allele origin: unknown. Affected: yes. Observed: 3 variant alleles. Study: The Canadian Open Genetics Repository (COGR). Not counted in ClinVar's aggregate classification.
Comment: The POLD1 p.Arg19His variant was identified in 6 of 152 proband chromosomes (frequency: 0.04) from individuals or families with HNPCC and endometrioid endometrial carcinomas (Talseth-Palmer 2015, Wong 2016 ). The variant was also identified in dbSNP (ID: rs3218773) as With Likely benign allele, ClinVar (classified as benign by Invitae, Counsyl, GeneDx, Ambry Genetics, and two clinical laboratories; as likely benign by Vantari Genetics), Clinvitae, and MutDB databases. The variant was identified in control databases in 1238 of 252406 chromosomes (18 homozygous) at a frequency of 0.01 increasing the likelihood this could be a low frequency benign variant (Genome Aggregation Database Feb 27, 2017). It was observed in the following populations: African in 19 of 21738 chromosomes (freq: 0.001), Other in 24 of 5994 chromosomes (freq: 0.004), Latino in 520 of 31786 chromosomes (freq: 0.02), European in 26 of 114472 chromosomes (freq: 0.0002), Ashkenazi Jewish in 28 of 9430 chromosomes (freq: 0.003), East Asian in 604 of 17564 chromosomes (freq: 0.03), and South Asian in 17 of 27984 chromosomes (freq: 0.001); but not in the Finnish population. The p.Arg19 residue is not conserved in mammals and four out of five computational analyses (PolyPhen-2, SIFT, AlignGVGD, BLOSUM, MutationTaster) do not suggest a high likelihood of impact to the protein; however, this information is not predictive enough to rule out pathogenicity. The variant occurs outside of the splicing consensus sequence and 1 of 5 in silico or computational prediction software programs (SpliceSiteFinder, MaxEntScan, NNSPLICE, GeneSplicer, HumanSpliceFinder) predict a greater than 10% difference in splicing; this is not very predictive of pathogenicity. In summary, based on the above information the clinical significance of this variant cannot be determined with certainty at this time although we would lean towards a more benign role for this variant. This variant is classified as likely benign.

Genome Diagnostics Laboratory, Amsterdam University Medical Center
Classification: Benign. Review status: no assertion criteria provided. Collection method: clinical testing. Allele origin: germline. Affected: yes. Study: VKGL Data-share Consensus. Not counted in ClinVar's aggregate classification.

Literature cited by the submitters: PubMed 17145065 (cited by Women's Health and Genetics/Laboratory Corporation of America, LabCorp and Counsyl); PubMed 12376507 (cited by Women's Health and Genetics/Laboratory Corporation of America, LabCorp).